The following is an entry in ClinVar:

NM_001267550.2(TTN):c.4854_4858del (p.Ser1619fs)

Genes: TTN (titin; minus strand), LOC101927055 (uncharacterized LOC101927055; plus strand). Cytogenetic location: 2q31.2.
Variant type: Deletion.
Coding change: c.4854_4858del on transcript NM_001267550.2 (MANE Select); coding-DNA positions 4854 to 4858, 5 bases deleted (TTCCA; older notation c.4854_4858delTTCCA).
Protein change: p.Ser1619fs; shifts the reading frame from serine 1619.
Molecular consequence: frameshift variant. On other transcripts: non-coding transcript variant (1).
Genome position (GRCh38, 1-based): chr2:178,777,006-178,777,010, TGGAA deleted on the plus strand (TTCCA on the coding strand, the reverse complement: TTN is on the minus strand); deleting any 5 consecutive bases within chr2:178,777,006-178,777,011 gives the same sequence; the c. name uses the placement nearest the transcript's 3' end. VCF-style (leftmost placement, unchanged base first): chr2-178777005-GTGGAA-G. GRCh37 (hg19) VCF-style: chr2-179641732-GTGGAA-G.
Other names: c.4854_4858del, p.Ser1619fs (NM_001256850.1, NM_133378.4, NM_133379.5); c.4716_4720del, p.Ser1573fs (NM_003319.4, NM_133432.3, NM_133437.4); short protein forms S1619fs, S1573fs.
Identifiers: ClinVar variation 4784325 (VCV004784325.1).
Genomic context (GRCh38, chr2:178,777,005, plus strand): 5'-GTGTCTCTGCCAGCTTTATTAATAGCAGTCGCAGTATACCAGGCAGAATCTTGGCTGACA[GTGGAA>G]TCGATTTTAAGGGCAGCTTCTCCCTTGGTTCCTTCAATTCTATAAAAAGTTGGGGGAGGG-3'

ClinVar aggregate classification (germline): Likely pathogenic (1 of 4 stars; one submission).

Conditions:
Dilated cardiomyopathy 1G (CMD1G). Identifiers: Orphanet 154, MedGen C1858763, MONDO:0011400, OMIM 604145.
Autosomal recessive limb-girdle muscular dystrophy type 2J (LGMDR10). Also called: Limb-girdle muscular dystrophy, type 2J; MUSCULAR DYSTROPHY, LIMB-GIRDLE, AUTOSOMAL RECESSIVE 10. Identifiers: Orphanet 140922, MedGen C1837342, MONDO:0012127, OMIM 608807.

Submission:

Labcorp Genetics (formerly Invitae), Labcorp
Classification: Likely pathogenic for Dilated cardiomyopathy 1G; Autosomal recessive limb-girdle muscular dystrophy type 2J. Last evaluated: 2025-03-05. Review status: criteria provided, single submitter. Criteria: Invitae Variant Classification Sherloc (09022015). Collection method: clinical testing. Allele origin: germline.
Comment: This sequence change creates a premature translational stop signal (p.Ser1619Cysfs*14) in the TTN gene. While this is not anticipated to result in nonsense mediated decay, it is expected to create a truncated TTN protein. This variant is not present in population databases (gnomAD no frequency). This variant has not been reported in the literature in individuals affected with TTN-related conditions. This variant is located in the Z band of TTN (PMID: 25589632). Truncating variants in this region have been reported in individuals affected with autosomal recessive centronuclear myopathy (PMID: 33449170, internal data). Truncating variants in this region have also been identified in individuals affected with autosomal dominant dilated cardiomyopathy and/or cardio-related conditions (PMID: 27869827, 32964742, internal data). In summary, the currently available evidence indicates that the variant is pathogenic, but additional data are needed to prove that conclusively. Therefore, this variant has been classified as Likely Pathogenic.

Literature cited by the submitters: PubMed 25589632; PubMed 33449170; PubMed 27869827; PubMed 32964742.